The following is an entry in ClinVar:

ClinVar aggregate classification (germline): Conflicting classifications of pathogenicity. Review status: criteria provided, conflicting classifications (1 of 4 stars). 3 submissions from 3 submitters: Uncertain significance (1); Likely benign (2). Last evaluated 2026-03-26.

Conditions:
LRRC8C-related condition.

gnomAD v4.1: 242 of 1,613,632 alleles (0.015%); highest among the groups gnomAD compares: African/African-American, 0.22%; no homozygotes.

Submissions (3):

PreventionGenetics, part of Exact Sciences
Classification: Likely benign for LRRC8C-related condition. Last evaluated: 2026-03-26. Review status: criteria provided, single submitter. Criteria: ACMG Guidelines, 2015. Collection method: clinical testing. Allele origin: germline.
Comment: This variant is classified as likely benign based on ACMG/AMP sequence variant interpretation guidelines (Richards et al. 2015 PMID: 25741868, with internal and published modifications).

Dasa
Classification: Likely benign. Last evaluated: 2026-01-16. Review status: criteria provided, single submitter. Criteria: DASA Assertion Criteria. Collection method: clinical testing. Allele origin: germline.
Comment: NM_032270.5(LRRC8C):c.1291A>G (p.Ile431Val) is a missense variant that results in the substitution of isoleucine with valine. Multiple computational predictions suggest no deleterious effect on the gene or gene product. Based on the available data, this variant is classified as likely benign.

Ambry Genetics
Classification: Uncertain significance. Last evaluated: 2025-03-07. Review status: criteria provided, single submitter. Criteria: Ambry Variant Classification Scheme 2023. Collection method: clinical testing. Allele origin: germline.

NM_032270.5(LRRC8C):c.1291A>G (p.Ile431Val)

Gene: LRRC8C (leucine rich repeat containing 8 VRAC subunit C; plus strand). Cytogenetic location: 1p22.2.
Variant type: single nucleotide variant.
Coding change: c.1291A>G on transcript NM_032270.5 (MANE Select); coding-DNA position 1291, A replaced by G.
Protein change: p.Ile431Val; replaces isoleucine 431 with valine.
Molecular consequence: missense variant.
Genome position (GRCh38, 1-based): chr1:89,713,861, A>G. VCF-style: chr1-89713861-A-G. GRCh37 (hg19) VCF-style: chr1-90179420-A-G.
Other names: short protein forms I431V.
Identifiers: ClinVar variation 3868655 (VCV003868655.3).